The following is an entry in ClinVar:

NM_001379451.1(BCORL1):c.2514G>T (p.Gln838His)

Gene: BCORL1 (BCL6 corepressor like 1; plus strand). Cytogenetic location: Xq26.1.
Variant type: single nucleotide variant.
Coding change: c.2514G>T on transcript NM_001379451.1 (MANE Select); coding-DNA position 2514, G replaced by T.
Protein change: p.Gln838His; replaces glutamine 838 with histidine.
Molecular consequence: missense variant.
Genome position (GRCh38, 1-based): chrX:130,015,286, G>T. VCF-style: chrX-130015286-G-T. GRCh37 (hg19) VCF-style: chrX-129149262-G-T.
Other names: c.2514G>T, p.Gln838His (NM_001184772.3, NM_001379450.1, NM_021946.5); short protein forms Q838H.
Identifiers: ClinVar variation 3344592 (VCV003344592.1).
Genomic context (GRCh38, chrX:130,015,286, plus strand): 5'-AGTCAATGGGAAACCTACCAGCACCCAGGTCCTGCCTGTTGGCTGGTCCCCGTACCACCA[G>T]GCGTCTCTGCTTTCCATTGGCATTTCCAGTGCCGGGCAGCTGACCCCCAGTCAGGGGGCG-3'
Protein context (NP_001366380.1, residues 828-848): VLPVGWSPYH[Gln838His]ASLLSIGISS

ClinVar aggregate classification (germline): Uncertain significance (0 of 4 stars; one submission).

Conditions:
BCORL1-related disorder. Also called: BCORL1-related condition.

Submission:

PreventionGenetics, part of Exact Sciences
Classification: Uncertain significance for BCORL1-related condition. Last evaluated: 2024-06-06. Review status: no assertion criteria provided. Collection method: clinical testing. Allele origin: germline.
Comment: The BCORL1 c.2514G>T variant is predicted to result in the amino acid substitution p.Gln838His. To our knowledge, this variant has not been reported in the literature or in a large population database, indicating this variant is rare. At this time, the clinical significance of this variant is uncertain due to the absence of conclusive functional and genetic evidence.